The following is an entry in ClinVar:

ClinVar aggregate classification (germline): Uncertain significance. Review status: criteria provided, multiple submitters, no conflicts (2 of 4 stars). 3 submissions from 3 submitters: Uncertain significance (3). Last evaluated 2025-08-09.

Conditions:
Familial cancer of breast. Also called: Hereditary breast cancer; hereditary breast carcinoma; BREAST CANCER, FAMILIAL. Identifiers: Orphanet 227535, MedGen C0346153, MONDO:0016419, OMIM 114480. Disease mechanism: loss of function.
Hereditary cancer-predisposing syndrome. Also called: Neoplastic Syndromes, Hereditary; Hereditary Cancer Syndrome; Tumor predisposition; Hereditary neoplastic syndrome. Identifiers: Orphanet 140162, MedGen C0027672, MeSH D009386, MONDO:0015356.

Allele frequency attached by ClinVar (database versions not stated): gnomAD exomes below 0.00001; ExAC 0.00001.
gnomAD v4.1: 1 of 1,606,190 alleles (0.000062%); highest among the groups gnomAD compares: South Asian, 0.0011%; no homozygotes.

Submissions (3):

Labcorp Genetics (formerly Invitae), Labcorp
Classification: Uncertain significance for Familial cancer of breast. Last evaluated: 2025-08-09. Review status: criteria provided, single submitter. Criteria: Invitae Variant Classification Sherloc (09022015). Collection method: clinical testing. Allele origin: germline.
Comment: This sequence change replaces leucine, which is neutral and non-polar, with serine, which is neutral and polar, at codon 275 of the BARD1 protein (p.Leu275Ser). This variant is present in population databases (rs765629130, gnomAD 0.004%). This variant has not been reported in the literature in individuals affected with BARD1-related conditions. ClinVar contains an entry for this variant (Variation ID: 582344). An algorithm developed to predict the effect of missense changes on protein structure and function (PolyPhen-2) suggests that this variant is likely to be tolerated. In summary, the available evidence is currently insufficient to determine the role of this variant in disease. Therefore, it has been classified as a Variant of Uncertain Significance.

Ambry Genetics
Classification: Uncertain significance for Hereditary cancer-predisposing syndrome. Last evaluated: 2023-06-20. Review status: criteria provided, single submitter. Criteria: Ambry Variant Classification Scheme 2023. Collection method: clinical testing. Allele origin: germline.
Comment: The p.L275S variant (also known as c.824T>C), located in coding exon 4 of the BARD1 gene, results from a T to C substitution at nucleotide position 824. The leucine at codon 275 is replaced by serine, an amino acid with dissimilar properties. This amino acid position is not well conserved in available vertebrate species. In addition, this alteration is predicted to be tolerated by in silico analysis. Since supporting evidence is limited at this time, the clinical significance of this alteration remains unclear.

Color Diagnostics, LLC DBA Color Health
Classification: Uncertain significance for Hereditary cancer-predisposing syndrome. Last evaluated: 2022-11-02. Review status: criteria provided, single submitter. Criteria: ACMG Guidelines, 2015. Collection method: clinical testing. Allele origin: germline.
Comment: This missense variant replaces leucine with serine at codon 275 of the BARD1 protein. Computational prediction suggests that this variant may not impact protein structure and function (internally defined REVEL score threshold <= 0.5, PMID: 27666373). To our knowledge, functional studies have not been reported for this variant. This variant has not been reported in individuals affected with hereditary cancer in the literature. This variant has been identified in 1/242342 chromosomes in the general population by the Genome Aggregation Database (gnomAD). The available evidence is insufficient to determine the role of this variant in disease conclusively. Therefore, this variant is classified as a Variant of Uncertain Significance.

NM_000465.4(BARD1):c.824T>C (p.Leu275Ser)

Gene: BARD1 (BRCA1 associated RING domain 1; minus strand). Cytogenetic location: 2q35.
Variant type: single nucleotide variant.
Coding change: c.824T>C on transcript NM_000465.4 (MANE Select); coding-DNA position 824, T replaced by C.
Protein change: p.Leu275Ser; replaces leucine 275 with serine.
Molecular consequence: missense variant. On other transcripts: non-coding transcript variant (2), intron variant (3).
Genome position (GRCh38, 1-based): chr2:214,781,050, A>G on the plus strand (T>C on the coding strand, the complement: BARD1 is on the minus strand). VCF-style: chr2-214781050-A-G. GRCh37 (hg19) VCF-style: chr2-215645774-A-G.
Other names: c.824T>C (NM_000465.2); c.767T>C, p.Leu256Ser (NM_001282543.2); c.158+28362T>C (NM_001282548.2); c.215+16011T>C (NM_001282545.2); c.364+11247T>C (NM_001282549.2); short protein forms L275S, L256S.
Identifiers: ClinVar variation 582344 (VCV000582344.12), dbSNP rs765629130, ClinGen allele CA2090375.